The following is an entry in ClinVar:

ClinVar aggregate classification (germline): Benign/Likely benign. Review status: criteria provided, multiple submitters, no conflicts (2 of 4 stars). 4 submissions from 4 submitters: Benign (1); Likely benign (2). 1 of the submissions does not count toward it. Last evaluated 2025-11-05.

Conditions:
Prostate cancer, hereditary, 1 (HPC1). Identifiers: Orphanet 1331, MedGen C4722327, MONDO:0011098, OMIM 601518.
Prostate cancer, hereditary, 9 (HPC9). Identifiers: Orphanet 1331, MedGen C1970250, MONDO:0012597, OMIM 610997.
Hereditary cancer-predisposing syndrome. Also called: Neoplastic Syndromes, Hereditary; Tumor predisposition; Hereditary neoplastic syndrome; Hereditary Cancer Syndrome. Identifiers: Orphanet 140162, MedGen C0027672, MeSH D009386, MONDO:0015356.

Submissions (4):

Labcorp Genetics (formerly Invitae), Labcorp
Classification: Likely benign. Last evaluated: 2025-11-05. Review status: criteria provided, single submitter. Criteria: Invitae Variant Classification Sherloc (09022015). Collection method: clinical testing. Allele origin: germline.

Myriad Genetics, Inc.
Classification: Benign for Prostate cancer, hereditary, 9. Last evaluated: 2024-10-30. Review status: criteria provided, single submitter. Criteria: Myriad Autosomal Dominant, Autosomal Recessive and X-Linked Classification Criteria (2023). Collection method: clinical testing. Allele origin: unknown.
Comment: This variant is considered benign. This variant is a silent/synonymous amino acid change and it is not expected to impact splicing.

Ambry Genetics
Classification: Likely benign for Hereditary cancer-predisposing syndrome. Last evaluated: 2024-08-19. Review status: criteria provided, single submitter. Criteria: Ambry Variant Classification Scheme 2023. Collection method: clinical testing. Allele origin: germline.

Laboratory of Virology, Microbiology,  Quality and Medical Biotechnologies, Faculty of Sciences and Techniques - Mohammedia, Hassan II University of Casablanca
Classification: Uncertain significance for Prostate cancer, hereditary, 1. Review status: no assertion criteria provided. Collection method: clinical testing. Allele origin: somatic. Affected: yes. Not counted in ClinVar's aggregate classification.

NM_006361.6(HOXB13):c.555G>A (p.Gln185=)

Gene: HOXB13 (homeobox B13; minus strand). Cytogenetic location: 17q21.32.
Variant type: single nucleotide variant.
Coding change: c.555G>A on transcript NM_006361.6 (MANE Select); coding-DNA position 555, G replaced by A.
Protein change: p.Gln185=; no amino-acid change (glutamine 185 retained).
Molecular consequence: synonymous variant.
Genome position (GRCh38, 1-based): chr17:48,728,039, C>T on the plus strand (G>A on the coding strand, the complement: HOXB13 is on the minus strand). VCF-style: chr17-48728039-C-T. GRCh37 (hg19) VCF-style: chr17-46805401-C-T.
Identifiers: ClinVar variation 690854 (VCV000690854.11), dbSNP rs1597933822, ClinGen allele CA500660827.